The following is an entry in ClinVar:

ClinVar aggregate classification (germline): Uncertain significance (1 of 4 stars; one submission).

gnomAD v4.1: 2 of 1,611,834 alleles (0.00012%); highest among the groups gnomAD compares: African/African-American, 0.0027%; no homozygotes.

Submission:

GeneDx
Classification: Uncertain significance. Last evaluated: 2024-01-02. Review status: criteria provided, single submitter. Criteria: GeneDx Variant Classification Process June 2021. Collection method: clinical testing. Allele origin: germline. Affected: yes.
Comment: Not observed at significant frequency in large population cohorts (gnomAD); In silico analysis supports that this missense variant does not alter protein structure/function; Has not been previously published as pathogenic or benign to our knowledge

NM_022124.6(CDH23):c.9351G>A (p.Met3117Ile)

Gene: CDH23 (cadherin related 23; plus strand). Cytogenetic location: 10q22.1.
Variant type: single nucleotide variant.
Coding change: c.9351G>A on transcript NM_022124.6 (MANE Select); coding-DNA position 9351, G replaced by A.
Protein change: p.Met3117Ile; replaces methionine 3117 with isoleucine.
Molecular consequence: missense variant. On other transcripts: 5 prime UTR variant (2).
Genome position (GRCh38, 1-based): chr10:71,811,986, G>A. VCF-style: chr10-71811986-G-A. GRCh37 (hg19) VCF-style: chr10-73571743-G-A.
Other names: c.2631G>A, p.Met877Ile (NM_001171933.1, NM_001171934.1); c.-306G>A (NM_001171935.1, NM_001171936.1); short protein forms M3117I, M877I.
Identifiers: ClinVar variation 3370215 (VCV003370215.1).
Genomic context (GRCh38, chr10:71,811,986, plus strand): 5'-CCTCCATGCCCCAACCCTTCTCCCTGCAGGGAATCGTGGCTTCATCGACATCATGGACAT[G>A]CCTAACACCAACAAGTACTCCTTTGATGGGTGAGTGGGGTACTGGCCCTGCCCGGTCCCC-3'
Protein context (NP_071407.4, residues 3107-3127): GNRGFIDIMD[Met3117Ile]PNTNKYSFDG